The following is an entry in ClinVar:

ClinVar aggregate classification (germline): Conflicting classifications of pathogenicity. Review status: criteria provided, conflicting classifications (1 of 4 stars). 5 submissions from 5 submitters: Likely pathogenic (3); Uncertain significance (1). 1 of the submissions does not count toward it. Last evaluated 2026-04-30.

Conditions:
Myofibrillar myopathy 11. Also called: MYOPATHY, CONGENITAL, WITH ECCENTRIC CORES. Identifiers: MedGen C5543038, MONDO:0030927, OMIM 619178.

Allele frequency attached by ClinVar (database versions not stated): gnomAD 0.00015 and 0.00016; ExAC 0.00018; gnomAD exomes 0.00018; TOPMed 0.00022; ESP Exome Variant Server 0.00023.
gnomAD v4.1: 172 of 1,613,546 alleles (0.011%); highest among the groups gnomAD compares: Admixed American, 0.04%; no homozygotes.

Submissions (5):

GeneDx
Classification: Likely pathogenic. Last evaluated: 2026-04-30. Review status: criteria provided, single submitter. Criteria: GeneDx Variant Classification Process June 2021. Collection method: clinical testing. Allele origin: germline.
Comment: Published functional studies demonstrate a damaging effect of p.(R778W) impacting myosin binding (PMID: 33217308); In silico analysis supports that this missense variant has a deleterious effect on protein structure/function; This variant is associated with the following publications: (PMID: 35292251, 33217308, 40030011)

First Genomix Gene Laboratory, Genetic Diagnostics Department
Classification: Likely pathogenic for Myofibrillar myopathy 11. Last evaluated: 2025-09-17. Review status: criteria provided, single submitter. Criteria: ACMG Guidelines, 2015. Collection method: clinical testing. Allele origin: germline. Inheritance: Autosomal recessive inheritance. Affected: no. Observed: 1 variant allele.

Blueprint Genetics
Classification: Uncertain significance. Last evaluated: 2024-11-27. Review status: criteria provided, single submitter. Criteria: ACMG Guidelines, 2015. Collection method: clinical testing. Allele origin: germline.

Muscle and Diseases Team, Institut de Génétique et Biologie Moléculaire et Cellulaire
Classification: Likely pathogenic for Myofibrillar myopathy 11. Last evaluated: 2024-03-01. Review status: criteria provided, single submitter. Criteria: ACMG Guidelines, 2015. Collection method: research. Allele origin: paternal. Affected: yes. Observed: 1 variant allele.
Comment: PS3+PM2+PP5

OMIM
Classification: Pathogenic for MYOFIBRILLAR MYOPATHY 11. Last evaluated: 2021-02-15. Review status: no assertion criteria provided. Collection method: literature only. Allele origin: germline. Not counted in ClinVar's aggregate classification.

Literature cited by the submitters: DOI 10.1186/s13073-024-01353-0 (cited by Muscle and Diseases Team, Institut de Génétique et Biologie Moléculaire et Cellulaire); PubMed 33217308 (cited by Muscle and Diseases Team, Institut de Génétique et Biologie Moléculaire et Cellulaire and OMIM).

NM_001267052.2(UNC45B):c.2326C>T (p.Arg776Trp)

Gene: UNC45B (unc-45 myosin chaperone B; plus strand). Cytogenetic location: 17q12.
Variant type: single nucleotide variant.
Coding change: c.2326C>T on transcript NM_001267052.2 (MANE Select); coding-DNA position 2326, C replaced by T.
Protein change: p.Arg776Trp; replaces arginine 776 with tryptophan.
Molecular consequence: missense variant.
Genome position (GRCh38, 1-based): chr17:35,180,629, C>T. VCF-style: chr17-35180629-C-T. GRCh37 (hg19) VCF-style: chr17-33507648-C-T.
Other names: c.2332C>T (NM_173167.2); c.2326C>T, p.Arg776Trp (NM_001033576.2); c.2089C>T, p.Arg697Trp (NM_001308281.1); c.2332C>T, p.Arg778Trp (NM_173167.3); short protein forms R778W, R697W, R776W.
Identifiers: ClinVar variation 996754 (VCV000996754.6), dbSNP rs199583516, ClinGen allele CA8501476.